The following is an entry in ClinVar:

ClinVar aggregate classification (germline): Likely benign. Review status: criteria provided, single submitter (1 of 4 stars). 2 submissions from 2 submitters: Likely benign (1). 1 of the submissions does not count toward it. Last evaluated 2019-12-31.

Conditions:
SH2B1-related disorder. Also called: SH2B1-related condition.

Submissions (2):

Labcorp Genetics (formerly Invitae), Labcorp
Classification: Likely benign. Last evaluated: 2019-12-31. Review status: criteria provided, single submitter. Criteria: Invitae Variant Classification Sherloc (09022015). Collection method: clinical testing. Allele origin: germline.

PreventionGenetics, part of Exact Sciences
Classification: Likely benign for SH2B1-related condition. Last evaluated: 2022-04-25. Review status: no assertion criteria provided. Collection method: clinical testing. Allele origin: germline. Not counted in ClinVar's aggregate classification.
Comment: This variant is classified as likely benign based on ACMG/AMP sequence variant interpretation guidelines (Richards et al. 2015 PMID: 25741868, with internal and published modifications).

NM_001387430.1(SH2B1):c.72T>G (p.Pro24=)

Gene: SH2B1 (SH2B adaptor protein 1; plus strand). Cytogenetic location: 16p11.2.
Variant type: single nucleotide variant.
Coding change: c.72T>G on transcript NM_001387430.1 (MANE Select); coding-DNA position 72, T replaced by G.
Protein change: p.Pro24=; no amino-acid change (proline 24 retained).
Molecular consequence: synonymous variant. On other transcripts: intron variant (1).
Genome position (GRCh38, 1-based): chr16:28,866,166, T>G. VCF-style: chr16-28866166-T-G. GRCh37 (hg19) VCF-style: chr16-28877487-T-G.
Other names: c.72T>G, p.Pro24= (NM_001145795.2, NM_001145796.2, NM_001145797.2 and 4 more transcripts); c.-26-1208T>G (NM_001308294.2).
Identifiers: ClinVar variation 726489 (VCV000726489.6), dbSNP rs1212256189, ClinGen allele CA494486620.
Genomic context (GRCh38, chr16:28,866,166, plus strand): 5'-CCCTTCCCCAGAGGACGGGGCCTCCCCCTCGTCTCCCCCGCTGCCCCCACCCCCGCCCCC[T>G]AGTTGGCGGGAGTTCTGTGAGTCCCACGCCCGGGCTGCGGCTCTGGACTTTGCCCGCCGT-3'
Protein context (NP_001374359.1, residues 14-34): SSPPLPPPPP[Pro24=]SWREFCESHA